The following is an entry in ClinVar:

NM_000303.3(PMM2):c.534C>G (p.Ile178Met)

Gene: PMM2 (phosphomannomutase 2; plus strand). Cytogenetic location: 16p13.2.
Variant type: single nucleotide variant.
Coding change: c.534C>G on transcript NM_000303.3 (MANE Select); coding-DNA position 534, C replaced by G.
Protein change: p.Ile178Met; replaces isoleucine 178 with methionine.
Molecular consequence: missense variant.
Genome position (GRCh38, 1-based): chr16:8,813,001, C>G. VCF-style: chr16-8813001-C-G. GRCh37 (hg19) VCF-style: chr16-8906858-C-G.
Other names: short protein forms I178M.
Identifiers: ClinVar variation 2121838 (VCV002121838.4), dbSNP rs761527100, ClinGen allele CA7894126.

ClinVar aggregate classification (germline): Uncertain significance (1 of 4 stars; one submission).

Conditions:
PMM2-congenital disorder of glycosylation. Also called: CDG Ia; PMM2-CDG; Congenital disorder of glycosylation, type Ia; JAEKEN SYNDROME; PHOSPHOMANNOMUTASE 2 DEFICIENCY; CARBOHYDRATE-DEFICIENT GLYCOPROTEIN SYNDROME, TYPE Ia. Identifiers: Orphanet 79318, MedGen C0349653, MONDO:0008907, OMIM 212065.

Allele frequency attached by ClinVar (database versions not stated): ExAC 0.00001.

Submission:

Labcorp Genetics (formerly Invitae), Labcorp
Classification: Uncertain significance for PMM2-congenital disorder of glycosylation. Last evaluated: 2022-04-05. Review status: criteria provided, single submitter. Criteria: Invitae Variant Classification Sherloc (09022015). Collection method: clinical testing. Allele origin: germline.
Comment: In summary, the available evidence is currently insufficient to determine the role of this variant in disease. Therefore, it has been classified as a Variant of Uncertain Significance. Algorithms developed to predict the effect of missense changes on protein structure and function are either unavailable or do not agree on the potential impact of this missense change (SIFT: "Deleterious"; PolyPhen-2: "Probably Damaging"; Align-GVGD: "Class C0"). This variant has not been reported in the literature in individuals affected with PMM2-related conditions. This variant is present in population databases (rs761527100, gnomAD 0.007%). This sequence change replaces isoleucine, which is neutral and non-polar, with methionine, which is neutral and non-polar, at codon 178 of the PMM2 protein (p.Ile178Met).